The following continues an entry in ClinVar:

NM_000152.5(GAA):c.1978C>T (p.Arg660Cys)

Gene: GAA. ClinVar aggregate classification (germline): Pathogenic. Pathogenic (1).

Submissions 8 to 10 of 10:

Women's Health and Genetics/Laboratory Corporation of America, LabCorp
Classification: Pathogenic for Glycogen storage disease, type II. Last evaluated: 2018-02-08. Review status: criteria provided, single submitter. Criteria: LabCorp Variant Classification Summary - May 2015. Collection method: clinical testing. Allele origin: germline. Not counted in ClinVar's aggregate classification.
Comment: Variant summary: GAA c.1978C>T (p.Arg660Cys) results in a non-conservative amino acid change located in the Catalytic GH31 domain of the encoded protein sequence. Five of five in-silico tools predict a damaging effect of the variant on protein function. At least one publication reports experimental evidence evaluating an impact on protein function. The most pronounced variant effect results in 10%-<30% of normal activity, potentially, due to the change affecting maturation process (Flanagan_2009; Palmer_2007). The variant allele was found at a frequency of 1.1e-05 in 1/91962 control chromosomes in ExAC dataset. The c.1978C>T has been reported in the literature in multiple individuals affected with Glycogen Storage Disease, Type 2 (Pompe Disease). These data indicate that the variant is very likely to be associated with disease. In addition, another alteration of the same codon, R660H, has been reported as "Pathogenic" for Pompe disease. No clinical diagnostic laboratories have submitted clinical-significance assessments for this variant to ClinVar after 2014. Based on the evidence outlined above, the variant was classified as pathogenic.

PreventionGenetics, part of Exact Sciences
Classification: Pathogenic for GAA-related condition. Last evaluated: 2024-06-14. Review status: no assertion criteria provided. Collection method: clinical testing. Allele origin: germline. Not counted in ClinVar's aggregate classification.
Comment: The GAA c.1978C>T variant is predicted to result in the amino acid substitution p.Arg660Cys. This variant has  been reported in the homozygous state or along with a second GAA variant in patients with glycogen storage disease type 2 (GSD II), also known as Pompe disease (Palmer et al. 2007. PubMed ID: 17056254; Hahn et al. 2015. PubMed ID: 25626711; Mori et al. 2017. PubMed ID: 29122469; Desai et al. 2019. PubMed ID: 31193175). In a functional study using COS-7 cells, the p.Arg660Cys substitution was reported to reduce GAA activity to <2% relative to control (Flanagan et al. 2009. PubMed ID: 19862843). A different missense variant impacting the same amino acid (c.1979G>A, p.Arg660His) has been interpreted as pathogenic by the ClinGen Lysosomal Storage Disorder Variant Curation Expert Panel (LSD VCEP). The c.1978C>T (p.Arg660Cys) variant is reported in 0.0056% of alleles in individuals of East Asian descent in gnomAD. It has also been interpreted as pathogenic by the ClinGen LSD VCEP, as well as pathogenic or likely pathogenic by other outside laboratories. Taken together, this variant is interpreted as pathogenic.

Counsyl
Classification: Likely pathogenic for Glycogen storage disease, type II. Last evaluated: 2018-05-31. Review status: no assertion criteria provided. Collection method: clinical testing. Allele origin: unknown. Not counted in ClinVar's aggregate classification.

Literature cited by the submitters: PubMed 35705384 (cited by Genomenon, Inc); PubMed 32518148 (cited by Genomenon, Inc); PubMed 31439017 (cited by 3 submitters); PubMed 31193175 (cited by Genomenon, Inc and Mayo Clinic Laboratories, Mayo Clinic); PubMed 29124014 (cited by 7 submitters); PubMed 17056254 (cited by 7 submitters); PubMed 25626711 (cited by 4 submitters); PubMed 19862843 (cited by 6 submitters); PubMed 29122469 (cited by 3 submitters); PubMed 14643388 (cited by Labcorp Genetics (formerly Invitae), Labcorp); PubMed 20472203 (cited by Labcorp Genetics (formerly Invitae), Labcorp); PubMed 21484825 (cited by Labcorp Genetics (formerly Invitae), Labcorp); PubMed 22521436 (cited by Labcorp Genetics (formerly Invitae), Labcorp); PubMed 22555271 (cited by Labcorp Genetics (formerly Invitae), Labcorp); PubMed 27649523 (cited by Labcorp Genetics (formerly Invitae), Labcorp); PubMed 31589614 (cited by AiLife Diagnostics); PubMed 31729605 (cited by AiLife Diagnostics); PubMed 30275481 (cited by AiLife Diagnostics).